The following is an entry in ClinVar:

NM_004168.4(SDHA):c.1874A>G (p.His625Arg)

Gene: SDHA (succinate dehydrogenase complex flavoprotein subunit A; plus strand). Cytogenetic location: 5p15.33.
Variant type: single nucleotide variant.
Coding change: c.1874A>G on transcript NM_004168.4 (MANE Select); coding-DNA position 1874, A replaced by G.
Protein change: p.His625Arg; replaces histidine 625 with arginine.
Molecular consequence: missense variant.
Genome position (GRCh38, 1-based): chr5:254,472, A>G. VCF-style: chr5-254472-A-G. GRCh37 (hg19) VCF-style: chr5-254587-A-G.
Other names: c.1730A>G, p.His577Arg (NM_001294332.2); c.1631A>G, p.His544Arg (NM_001330758.2); short protein forms H544R, H577R, H625R.
Identifiers: ClinVar variation 3223733 (VCV003223733.1), dbSNP rs2477476888, ClinGen allele CA359002065.

ClinVar aggregate classification (germline): Uncertain significance (1 of 4 stars; one submission).

Conditions:
Hereditary cancer-predisposing syndrome. Also called: Tumor predisposition; Hereditary neoplastic syndrome; Hereditary Cancer Syndrome; Neoplastic Syndromes, Hereditary. Identifiers: Orphanet 140162, MedGen C0027672, MeSH D009386, MONDO:0015356.

Submission:

Ambry Genetics
Classification: Uncertain significance for Hereditary cancer-predisposing syndrome. Last evaluated: 2023-10-20. Review status: criteria provided, single submitter. Criteria: Ambry Variant Classification Scheme 2023. Collection method: clinical testing. Allele origin: germline.
Comment: The p.H625R variant (also known as c.1874A>G), located in coding exon 14 of the SDHA gene, results from an A to G substitution at nucleotide position 1874. The histidine at codon 625 is replaced by arginine, an amino acid with highly similar properties. This amino acid position is conserved. In addition, this alteration is predicted to be deleterious by in silico analysis. Since supporting evidence is limited at this time, the clinical significance of this alteration remains unclear.